The following is an entry in ClinVar:

NM_080680.3(COL11A2):c.854C>T (p.Thr285Met)

Gene: COL11A2 (collagen type XI alpha 2 chain; minus strand). Cytogenetic location: 6p21.32.
Variant type: single nucleotide variant.
Coding change: c.854C>T on transcript NM_080680.3 (MANE Select); coding-DNA position 854, C replaced by T.
Protein change: p.Thr285Met; replaces threonine 285 with methionine.
Molecular consequence: missense variant. On other transcripts: intron variant (2).
Genome position (GRCh38, 1-based): chr6:33,185,723, G>A on the plus strand (C>T on the coding strand, the complement: COL11A2 is on the minus strand). VCF-style: chr6-33185723-G-A. GRCh37 (hg19) VCF-style: chr6-33153500-G-A.
Other names: c.798+904C>T (NM_080679.3); c.799-669C>T (NM_080681.3); short protein forms T285M.
Identifiers: ClinVar variation 228539 (VCV000228539.16), dbSNP rs747064765, ClinGen allele CA3751545.
Genomic context (GRCh38, chr6:33,185,723, plus strand): 5'-GGAGAAAGGGAAGAAATGAAGGGGTCCCTTGAGTTTACCTGATAATCAGGGGTTGTCCCC[G>A]TAGTCATCACATCATAATAGGGGGGCTCGTAGTCATAGTAGAGAGACTCAGTGGGCTGGG-3'
Protein context (NP_542411.2, residues 275-295): YEPPYYDVMT[Thr285Met]GTTPDYQDPT

ClinVar aggregate classification (germline): Conflicting classifications of pathogenicity. Review status: criteria provided, conflicting classifications (1 of 4 stars). 5 submissions from 5 submitters: Uncertain significance (4); Likely benign (1). Last evaluated 2025-12-16.

Conditions:
Inborn genetic diseases. Identifiers: MedGen C0950123, MeSH D030342.

Allele frequency attached by ClinVar (database versions not stated): gnomAD exomes 0.00002 and 0.00004; gnomAD 0.00003 and 0.00004; ExAC 0.00004.

Submissions (5):

Labcorp Genetics (formerly Invitae), Labcorp
Classification: Likely benign. Last evaluated: 2025-12-16. Review status: criteria provided, single submitter. Criteria: Invitae Variant Classification Sherloc (09022015). Collection method: clinical testing. Allele origin: germline.

Ambry Genetics
Classification: Uncertain significance for Inborn genetic diseases. Last evaluated: 2025-01-09. Review status: criteria provided, single submitter. Criteria: Ambry Variant Classification Scheme 2023. Collection method: clinical testing. Allele origin: germline.

Blueprint Genetics
Classification: Uncertain significance. Last evaluated: 2022-05-14. Review status: criteria provided, single submitter. Criteria: ACMG Guidelines, 2015. Collection method: clinical testing. Allele origin: germline.

GeneDx
Classification: Uncertain significance. Last evaluated: 2021-07-15. Review status: criteria provided, single submitter. Criteria: GeneDx Variant Classification Process June 2021. Collection method: clinical testing. Allele origin: germline. Affected: yes.
Comment: Has not been previously published as pathogenic or benign to our knowledge; In silico analysis supports that this missense variant does not alter protein structure/function; Reported in ClinVar as a variant of uncertain significance (ClinVar Variant ID# 228539; Landrum et al., 2016); This variant is associated with the following publications: (PMID: 27535533)

Laboratory for Molecular Medicine, Mass General Brigham Personalized Medicine
Classification: Uncertain significance. Last evaluated: 2015-10-05. Review status: criteria provided, single submitter. Criteria: LMM Criteria. Collection method: clinical testing. Allele origin: germline. Observed: 1 variant allele.
Comment: The p.Thr285Met variant in COL11A2 has not been previously reported in individua ls with hearing loss, but has been identified in 4/63220 European chromosomes by the Exome Aggregation Consortium (ExAC). Althou gh this variant has been seen in the general population, its frequency is not hi gh enough to rule out a pathogenic role. Computational prediction tools and cons ervation analysis do not provide strong support for or against an impact to the protein. In summary, the clinical significance of the p.Thr285Met variant is unc ertain.